The following is an entry in ClinVar:

ClinVar aggregate classification (germline): Uncertain significance. Review status: criteria provided, multiple submitters, no conflicts (2 of 4 stars). 2 submissions from 2 submitters: Uncertain significance (2). Last evaluated 2025-12-16.

Submissions (2):

Labcorp Genetics (formerly Invitae), Labcorp
Classification: Uncertain significance. Last evaluated: 2025-12-16. Review status: criteria provided, single submitter. Criteria: Invitae Variant Classification Sherloc (09022015). Collection method: clinical testing. Allele origin: germline.
Comment: This sequence change replaces leucine, which is neutral and non-polar, with proline, which is neutral and non-polar, at codon 529 of the ACAN protein (p.Leu529Pro). This variant is not present in population databases (gnomAD no frequency). This variant has not been reported in the literature in individuals affected with ACAN-related conditions. ClinVar contains an entry for this variant (Variation ID: 1320548). Invitae Evidence Modeling of protein sequence and biophysical properties (such as structural, functional, and spatial information, amino acid conservation, physicochemical variation, residue mobility, and thermodynamic stability) indicates that this missense variant is not expected to disrupt ACAN protein function with a negative predictive value of 80%. In summary, the available evidence is currently insufficient to determine the role of this variant in disease. Therefore, it has been classified as a Variant of Uncertain Significance.

GeneDx
Classification: Uncertain significance. Last evaluated: 2021-01-07. Review status: criteria provided, single submitter. Criteria: GeneDx Variant Classification Process June 2021. Collection method: clinical testing. Allele origin: germline. Affected: yes.
Comment: Not observed in large population cohorts (Lek et al., 2016); In silico analysis supports that this missense variant has a deleterious effect on protein structure/function; Has not been previously published as pathogenic or benign to our knowledge

NM_001369268.1(ACAN):c.1586T>C (p.Leu529Pro)

Gene: ACAN (aggrecan; plus strand). Cytogenetic location: 15q26.1.
Variant type: single nucleotide variant.
Coding change: c.1586T>C on transcript NM_001369268.1 (MANE Select); coding-DNA position 1586, T replaced by C.
Protein change: p.Leu529Pro; replaces leucine 529 with proline.
Molecular consequence: missense variant.
Genome position (GRCh38, 1-based): chr15:88,847,399, T>C. VCF-style: chr15-88847399-T-C. GRCh37 (hg19) VCF-style: chr15-89390630-T-C.
Other names: c.1586T>C, p.Leu529Pro (NM_001135.4, NM_013227.4); short protein forms L529P.
Identifiers: ClinVar variation 1320548 (VCV001320548.3), dbSNP rs2141586135, ClinGen allele CA393710814.